The following is an entry in ClinVar:

NM_000171.4(GLRA1):c.252+3G>A

Gene: GLRA1 (glycine receptor alpha 1; minus strand). Cytogenetic location: 5q33.1.
Variant type: single nucleotide variant.
Coding change: c.252+3G>A on transcript NM_000171.4 (MANE Select); 3 bases into the intron after coding-DNA position 252, G replaced by A.
Molecular consequence: intron variant.
Genome position (GRCh38, 1-based): chr5:151,886,718, C>T on the plus strand (G>A on the coding strand, the complement: GLRA1 is on the minus strand). VCF-style: chr5-151886718-C-T. GRCh37 (hg19) VCF-style: chr5-151266279-C-T.
Other names: c.3+3G>A (NM_001292000.2); c.252+3G>A (NM_001146040.2).
Identifiers: ClinVar variation 653285 (VCV000653285.8), dbSNP rs1581645103, ClinGen allele CA915942683.

ClinVar aggregate classification (germline): Uncertain significance (1 of 4 stars; one submission).

Conditions:
Hereditary hyperekplexia. Identifiers: Orphanet 3197, MedGen C4084968, MONDO:0021022.

Allele frequency attached by ClinVar (database versions not stated): gnomAD exomes below 0.00001.
gnomAD v4.1: 1 of 1,602,030 alleles (0.000062%); highest among the groups gnomAD compares: Non-Finnish European, 0.000086%; no homozygotes.

Submission:

Labcorp Genetics (formerly Invitae), Labcorp
Classification: Uncertain significance for Hereditary hyperekplexia. Last evaluated: 2020-01-27. Review status: criteria provided, single submitter. Criteria: Invitae Variant Classification Sherloc (09022015). Collection method: clinical testing. Allele origin: germline.
Comment: Nucleotide substitutions within the consensus splice site are a relatively common cause of aberrant splicing (PMID: 17576681, 9536098). Algorithms developed to predict the effect of sequence changes on RNA splicing suggest that this variant is not likely to affect RNA splicing, but this prediction has not been confirmed by published transcriptional studies. This variant has not been reported in the literature in individuals with GLRA1-related disease. This variant is not present in population databases (ExAC no frequency). This sequence change falls in intron 3 of the GLRA1 gene. It does not directly change the encoded amino acid sequence of the GLRA1 protein, but it affects a nucleotide within the consensus splice site of the intron. In summary, the available evidence is currently insufficient to determine the role of this variant in disease. Therefore, it has been classified as a Variant of Uncertain Significance.

Literature cited by the submitters: PubMed 17576681; PubMed 9536098.